The following is an entry in ClinVar:

ClinVar aggregate classification (germline): Conflicting classifications of pathogenicity. Review status: criteria provided, conflicting classifications (1 of 4 stars). 2 submissions from 2 submitters: Uncertain significance (1); Benign (1). Last evaluated 2025-06-17.

Conditions:
Perlman syndrome (PRLMNS). Identifiers: Orphanet 2849, MedGen C0796113, MONDO:0009965, OMIM 267000.

Allele frequency attached by ClinVar (database versions not stated): gnomAD exomes 0.00001 and 0.00002; ExAC 0.00004; TOPMed 0.00007; gnomAD 0.00011 and 0.00013; ESP Exome Variant Server 0.00016; 1000 Genomes Project 0.00020; 1000 Genomes Project 30x 0.00031.
gnomAD v4.1: 26 of 1,614,186 alleles (0.0016%); highest among the groups gnomAD compares: African/African-American, 0.033%; no homozygotes.

Submissions (2):

St. Jude Molecular Pathology, St. Jude Children's Research Hospital
Classification: Uncertain significance for Perlman syndrome. Last evaluated: 2025-06-17. Review status: criteria provided, single submitter. Criteria: St. Jude Assertion Criteria 2020. Collection method: clinical testing. Allele origin: germline.
Comment: The DIS3L2 c.1597C>A p.(His533Asn) missense change has a maximum subpopulation frequency of 0.03% in gnomAD v2.1.1. The in silico tool REVEL predicts a benign effect on protein function, but to our knowledge these predictions have not been confirmed by functional studies. To our knowledge, this variant has not been reported in individuals with Perlman syndrome. In summary, the evidence currently available is insufficient to determine the clinical significance of this variant. It has therefore been classified as of uncertain significance.

Labcorp Genetics (formerly Invitae), Labcorp
Classification: Benign for Perlman syndrome. Last evaluated: 2025-06-02. Review status: criteria provided, single submitter. Criteria: Invitae Variant Classification Sherloc (09022015). Collection method: clinical testing. Allele origin: germline.

NM_152383.5(DIS3L2):c.1597C>A (p.His533Asn)

Gene: DIS3L2 (DIS3 like 3'-5' exoribonuclease 2; plus strand). Cytogenetic location: 2q37.1.
Variant type: single nucleotide variant.
Coding change: c.1597C>A on transcript NM_152383.5 (MANE Select); coding-DNA position 1597, C replaced by A.
Protein change: p.His533Asn; replaces histidine 533 with asparagine.
Molecular consequence: missense variant. On other transcripts: non-coding transcript variant (2), intron variant (1).
Genome position (GRCh38, 1-based): chr2:232,263,378, C>A. VCF-style: chr2-232263378-C-A. GRCh37 (hg19) VCF-style: chr2-233128088-C-A.
Other names: c.1581+16C>A (NM_001257281.2); short protein forms H533N.
Identifiers: ClinVar variation 570263 (VCV000570263.10), dbSNP rs372209368, ClinGen allele CA2164200.